The following is an entry in ClinVar:

ClinVar aggregate classification (germline): Uncertain significance (1 of 4 stars; one submission).

Conditions:
Werner syndrome (WRN). Identifiers: Orphanet 902, MedGen C0043119, MONDO:0010196, OMIM 277700.

Allele frequency attached by ClinVar (database versions not stated): gnomAD exomes 0.00001; TOPMed 0.00001; ExAC 0.00002.
gnomAD v4.1: 6 of 1,613,926 alleles (0.00037%); highest among the groups gnomAD compares: Admixed American, 0.0067%; no homozygotes.

Submission:

Labcorp Genetics (formerly Invitae), Labcorp
Classification: Uncertain significance for Werner syndrome. Last evaluated: 2026-01-26. Review status: criteria provided, single submitter. Criteria: Invitae Variant Classification Sherloc (09022015). Collection method: clinical testing. Allele origin: germline.
Comment: This sequence change replaces tryptophan, which is neutral and slightly polar, with leucine, which is neutral and non-polar, at codon 1410 of the WRN protein (p.Trp1410Leu). This variant is present in population databases (rs780718250, gnomAD 0.009%). This variant has not been reported in the literature in individuals affected with WRN-related conditions. ClinVar contains an entry for this variant (Variation ID: 528122). An algorithm developed to predict the effect of missense changes on protein structure and function (PolyPhen-2) suggests that this variant is likely to be disruptive. In summary, the available evidence is currently insufficient to determine the role of this variant in disease. Therefore, it has been classified as a Variant of Uncertain Significance.

NM_000553.6(WRN):c.4229G>T (p.Trp1410Leu)

Genes: WRN (WRN RecQ like helicase; plus strand), LOC126860342 (MED14-independent group 3 enhancer GRCh37_chr8:31029565-31030764; plus strand). Cytogenetic location: 8p12.
Variant type: single nucleotide variant.
Coding change: c.4229G>T on transcript NM_000553.6 (MANE Select); coding-DNA position 4229, G replaced by T.
Protein change: p.Trp1410Leu; replaces tryptophan 1410 with leucine.
Molecular consequence: missense variant.
Genome position (GRCh38, 1-based): chr8:31,173,032, G>T. VCF-style: chr8-31173032-G-T. GRCh37 (hg19) VCF-style: chr8-31030548-G-T.
Other names: short protein forms W1410L.
Identifiers: ClinVar variation 528122 (VCV000528122.8), dbSNP rs780718250, ClinGen allele CA4705302.